The following is an entry in ClinVar:

ClinVar aggregate classification (germline): Likely pathogenic (1 of 4 stars; one submission).

Conditions:
Spermatogenic failure 39. Identifiers: MedGen C5231438, MONDO:0032845, OMIM 618643.

Submission:

Juno Genomics, Hangzhou Juno Genomics, Inc
Classification: Likely pathogenic for Spermatogenic failure 39. Review status: criteria provided, single submitter. Criteria: ACMG Guidelines, 2015. Collection method: clinical testing. Allele origin: germline.
Comment: Null variant in a gene where loss of function (LOF) is a known mechanism of disease.;Absent from controls (or at extremely low frequency if recessive) in Genome Aggregation Database.

NM_173628.4(DNAH17):c.232dup (p.Tyr78fs)

Gene: DNAH17 (dynein axonemal heavy chain 17; minus strand). Cytogenetic location: 17q25.3.
Variant type: Duplication.
Coding change: c.232dup on transcript NM_173628.4 (MANE Select); coding-DNA position 232, one base duplicated (T; older notation c.232dupT).
Protein change: p.Tyr78fs; shifts the reading frame from tyrosine 78.
Molecular consequence: frameshift variant.
Genome position (GRCh38, 1-based): chr17:78,574,826, A duplicated on the plus strand (T on the coding strand, the reverse complement: DNAH17 is on the minus strand); the first of 3 consecutive A bases (chr17:78,574,826-78,574,828); duplicating any one gives the same sequence. VCF-style (leftmost placement, unchanged base first): chr17-78574825-T-TA. GRCh37 (hg19) VCF-style: chr17-76570907-T-TA.
Other names: short protein forms Y78fs.
Identifiers: ClinVar variation 5005840 (VCV005005840.2).